The following is an entry in ClinVar:

NM_016239.4(MYO15A):c.6106G>A (p.Glu2036Lys)

Gene: MYO15A (myosin XVA; plus strand). Cytogenetic location: 17p11.2.
Variant type: single nucleotide variant.
Coding change: c.6106G>A on transcript NM_016239.4 (MANE Select); coding-DNA position 6106, G replaced by A.
Protein change: p.Glu2036Lys; replaces glutamic acid 2036 with lysine.
Molecular consequence: missense variant.
Genome position (GRCh38, 1-based): chr17:18,143,929, G>A. VCF-style: chr17-18143929-G-A. GRCh37 (hg19) VCF-style: chr17-18047243-G-A.
Other names: short protein forms E2036K.
Identifiers: ClinVar variation 1309987 (VCV001309987.3), dbSNP rs772457498, ClinGen allele CA8424499.
Genomic context (GRCh38, chr17:18,143,929, plus strand): 5'-GGCCTCGGGCTGGCCCAGGTGCCTCAGGTGGCCCCTGTGAGGACTCCTCGACTCCAGGCT[G>A]AGCCCCGTGTCACACTGCCCCTGGACATCAACAACTATCCTATGGCCAAGTTTGTCCAGT-3'
Protein context (NP_057323.3, residues 2026-2046): APVRTPRLQA[Glu2036Lys]PRVTLPLDIN

ClinVar aggregate classification (germline): Uncertain significance. Review status: criteria provided, multiple submitters, no conflicts (2 of 4 stars). 2 submissions from 2 submitters: Uncertain significance (2). Last evaluated 2025-02-09.

Conditions:
Inborn genetic diseases. Identifiers: MedGen C0950123, MeSH D030342.

Allele frequency attached by ClinVar (database versions not stated): ExAC 0.00001; gnomAD exomes 0.00001.

Submissions (2):

Ambry Genetics
Classification: Uncertain significance for Inborn genetic diseases. Last evaluated: 2025-02-09. Review status: criteria provided, single submitter. Criteria: Ambry Variant Classification Scheme 2023. Collection method: clinical testing. Allele origin: germline.

GeneDx
Classification: Uncertain significance. Last evaluated: 2019-12-18. Review status: criteria provided, single submitter. Criteria: GeneDx Variant Classification Process June 2021. Collection method: clinical testing. Allele origin: germline. Affected: yes.
Comment: Not observed at a significant frequency in large population cohorts (Lek et al., 2016); In silico analysis, which includes protein predictors and evolutionary conservation, supports that this variant does not alter protein structure/function; Has not been previously published as pathogenic or benign to our knowledge